The following is an entry in ClinVar:

NM_004004.6(GJB2):c.14C>T (p.Thr5Met)

Gene: GJB2 (gap junction protein beta 2; minus strand). Cytogenetic location: 13q12.11.
Variant type: single nucleotide variant.
Coding change: c.14C>T on transcript NM_004004.6 (MANE Select); coding-DNA position 14, C replaced by T.
Protein change: p.Thr5Met; replaces threonine 5 with methionine.
Molecular consequence: missense variant.
Genome position (GRCh38, 1-based): chr13:20,189,568, G>A on the plus strand (C>T on the coding strand, the complement: GJB2 is on the minus strand). VCF-style: chr13-20189568-G-A. GRCh37 (hg19) VCF-style: chr13-20763707-G-A.
Other names: short protein forms T5M.
Identifiers: ClinVar variation 585738 (VCV000585738.9), dbSNP rs781085903, ClinGen allele CA6904334.

ClinVar aggregate classification (germline): Uncertain significance. Review status: criteria provided, multiple submitters, no conflicts (2 of 4 stars). 4 submissions from 4 submitters: Uncertain significance (3). 1 of the submissions does not count toward it. Last evaluated 2024-08-21.

Conditions:
Autosomal recessive nonsyndromic hearing loss 1A (DFNB1A). Also called: GJB6-Related DFNB 1 Nonsyndromic Hearing Loss and Deafness; Deafness, autosomal recessive 1A; Deafness nonsyndromic, Connexin 26 linked; Connexin 26 deafness; Nonsyndromic Hearing Loss and Deafness, DFNB1; GJB2-Related Autosomal Recessive Nonsyndromic Hearing Loss. Identifiers: Orphanet 90636, MedGen C2673759, MONDO:0009076, OMIM 220290.
X-linked mixed hearing loss with perilymphatic gusher. Also called: Deafness, X-linked 2; Gusher syndrome; NANCE DEAFNESS; PERILYMPHATIC GUSHER-DEAFNESS SYNDROME; SENSORINEURAL DEAFNESS, PROFOUND, WITH OR WITHOUT A CONDUCTIVE COMPONENT, ASSOCIATED WITH A UNIQUE DEVELOPMENTAL ABNORMALITY OF THE EAR. Identifiers: Orphanet 383, MedGen C1844678, MONDO:0010576, OMIM 304400.
Mutilating keratoderma (VOWNKL). Also called: Keratoderma hereditarium mutilans. Identifiers: Orphanet 494, MedGen C0265964, MONDO:0007422, OMIM 124500.
Ichthyosis, hystrix-like, with hearing loss. Also called: Hystrix-like ichthyosis with deafness. Identifiers: Orphanet 477, MedGen C1865234, MONDO:0011245.
Palmoplantar keratoderma-deafness syndrome. Also called: Keratoderma palmoplantar, with deafness; Palmoplantar keratoderma and sensorineural deafness; Hereditary palmoplantar keratoderma with deafness (subtype); Focal palmoplantar keratoderma with sensorineural deafness (subtype); Diffuse palmoplantar keratoderma with deafness (subtype). Identifiers: Orphanet 2202, MedGen C1835672, MONDO:0007852, OMIM 148350.
Knuckle pads, deafness AND leukonychia syndrome. Also called: Bart-Pumphrey syndrome. Identifiers: Orphanet 2698, MedGen C0266004, MONDO:0007866, OMIM 149200.
Autosomal dominant keratitis-ichthyosis-hearing loss syndrome. Also called: HID SYNDROME; Senter syndrome; KID SYNDROME, AUTOSOMAL DOMINANT. Identifiers: Orphanet 477, MedGen C0265336, MONDO:0007850, OMIM 148210.
Autosomal dominant nonsyndromic hearing loss 3A. Identifiers: Orphanet 90635, MedGen C2675750, MONDO:0011103, OMIM 601544.

Allele frequency attached by ClinVar (database versions not stated): ExAC 0.00001; gnomAD exomes 0.00001 and 0.00005; gnomAD 0.00001; TOPMed 0.00003.

Submissions (4):

Labcorp Genetics (formerly Invitae), Labcorp
Classification: Uncertain significance. Last evaluated: 2024-08-21. Review status: criteria provided, single submitter. Criteria: Invitae Variant Classification Sherloc (09022015). Collection method: clinical testing. Allele origin: germline.
Comment: This sequence change replaces threonine, which is neutral and polar, with methionine, which is neutral and non-polar, at codon 5 of the GJB2 protein (p.Thr5Met). This variant is present in population databases (rs781085903, gnomAD 0.004%). This variant has not been reported in the literature in individuals affected with GJB2-related conditions. ClinVar contains an entry for this variant (Variation ID: 585738). Invitae Evidence Modeling of protein sequence and biophysical properties (such as structural, functional, and spatial information, amino acid conservation, physicochemical variation, residue mobility, and thermodynamic stability) has been performed for this missense variant. However, the output from this modeling did not meet the statistical confidence thresholds required to predict the impact of this variant on GJB2 protein function. In summary, the available evidence is currently insufficient to determine the role of this variant in disease. Therefore, it has been classified as a Variant of Uncertain Significance.

Fulgent Genetics
Classification: Uncertain significance for Mutilating keratoderma; Autosomal dominant keratitis-ichthyosis-hearing loss syndrome; Palmoplantar keratoderma-deafness syndrome; Knuckle pads, deafness AND leukonychia syndrome; Autosomal recessive nonsyndromic hearing loss 1A; X-linked mixed hearing loss with perilymphatic gusher; Autosomal dominant nonsyndromic hearing loss 3A. Last evaluated: 2021-10-05. Review status: criteria provided, single submitter. Criteria: ACMG Guidelines, 2015. Collection method: clinical testing. Allele origin: unknown.

Athena Diagnostics
Classification: Uncertain significance. Last evaluated: 2017-12-11. Review status: criteria provided, single submitter. Criteria: Athena Diagnostics Criteria. Collection method: clinical testing. Allele origin: germline.

Natera, Inc.
Classification: Uncertain significance for Autosomal recessive deafness type 1A. Last evaluated: 2021-03-12. Review status: no assertion criteria provided. Collection method: clinical testing. Allele origin: germline. Not counted in ClinVar's aggregate classification.